The following is an entry in ClinVar:

NM_005515.4(MNX1):c.375CGC[6] (p.Ala132_Ala134del)

Genes: MNX1 (motor neuron and pancreas homeobox 1; minus strand), LOC129999736 (ATAC-STARR-seq lymphoblastoid silent region 18858; plus strand). Cytogenetic location: 7q36.3.
Variant type: Microsatellite.
Coding change: c.375CGC[6] on transcript NM_005515.4 (MANE Select); six copies in a row of the 3-base unit CGC starting at c.375; the reference has nine copies in a row; three copies, 9 bases deleted; also written c.393_401del.
Protein change: p.Ala132_Ala134del.
Molecular consequence: inframe deletion.
Genome position (GRCh38, 1-based): chr7:157,009,950-157,009,958, GCGGCGGCG deleted on the plus strand (CGCCGCCGC on the coding strand, the reverse complement: MNX1 is on the minus strand); deleting any 9 consecutive bases within chr7:157,009,950-157,009,978 gives the same sequence; the position shown is the placement nearest the transcript's 3' end. VCF-style (leftmost placement, unchanged base first): chr7-157009949-AGCGGCGGCG-A. GRCh37 (hg19) VCF-style: chr7-156802643-AGCGGCGGCG-A.
Other names: c.393_401del (NM_005515.4).
Identifiers: ClinVar variation 1651300 (VCV001651300.33), dbSNP rs548755417, ClinGen allele CA835795793.

ClinVar aggregate classification (germline): Likely benign. Review status: criteria provided, multiple submitters, no conflicts (2 of 4 stars). 3 submissions from 3 submitters: Likely benign (3). Last evaluated 2025-11-28.

Conditions:
Currarino triad. Identifiers: Orphanet 1552, MedGen C1531773, MONDO:0008305, OMIM 176450.

Submissions (3):

Labcorp Genetics (formerly Invitae), Labcorp
Classification: Likely benign. Last evaluated: 2025-11-28. Review status: criteria provided, single submitter. Criteria: Invitae Variant Classification Sherloc (09022015). Collection method: clinical testing. Allele origin: germline.

CeGaT Center for Human Genetics Tuebingen
Classification: Likely benign. Last evaluated: 2023-08-01. Review status: criteria provided, single submitter. Criteria: CeGaT Center For Human Genetics Tuebingen Variant Classification Criteria Version 2. Collection method: clinical testing. Allele origin: germline. Affected: yes. Observed: 1 variant allele.
Comment: MNX1: PM4, BS1, BS2

Fulgent Genetics
Classification: Likely benign for Currarino triad. Last evaluated: 2021-10-28. Review status: criteria provided, single submitter. Criteria: ACMG Guidelines, 2015. Collection method: clinical testing. Allele origin: unknown.